The following is an entry in ClinVar:

ClinVar aggregate classification (germline): Uncertain significance (1 of 4 stars; one submission).

Submission:

GeneDx
Classification: Uncertain significance. Last evaluated: 2025-03-24. Review status: criteria provided, single submitter. Criteria: GeneDx Variant Classification Process June 2021. Collection method: clinical testing. Allele origin: germline. Affected: yes.
Comment: Not observed at significant frequency in large population cohorts (gnomAD); In silico analysis indicates that this missense variant does not alter protein structure/function; Has not been previously published as pathogenic or benign to our knowledge

NM_015267.4(CUX2):c.2537C>A (p.Pro846His)

Gene: CUX2 (cut like homeobox 2; plus strand). Cytogenetic location: 12q24.12.
Variant type: single nucleotide variant.
Coding change: c.2537C>A on transcript NM_015267.4 (MANE Select); coding-DNA position 2537, C replaced by A.
Protein change: p.Pro846His; replaces proline 846 with histidine.
Molecular consequence: missense variant.
Genome position (GRCh38, 1-based): chr12:111,320,546, C>A. VCF-style: chr12-111320546-C-A. GRCh37 (hg19) VCF-style: chr12-111758350-C-A.
Other names: c.2351C>A, p.Pro784His (NM_001370598.1); short protein forms P846H, P784H.
Identifiers: ClinVar variation 4087826 (VCV004087826.1).
Genomic context (GRCh38, chr12:111,320,546, plus strand): 5'-GCGGGGACGAGGCCCCTGTGCCCCCCGAGGACGAGGCGGCGGCAGGGGCGGAGGACGAAC[C>A]CCCCAGGACGGGCGAGCTCAAGGCTGAGGGCGCGACGGCCGAGGCGGGCGCGCGGCTGCC-3'
Protein context (NP_056082.2, residues 836-856): DEAAAGAEDE[Pro846His]PRTGELKAEG